The following is an entry in ClinVar:

ClinVar aggregate classification (germline): Uncertain significance (1 of 4 stars; one submission).

Conditions:
Neuroblastoma, susceptibility to, 3. Also called: ALK-Related Neuroblastic Tumor Susceptibility. Identifiers: Orphanet 635, MedGen C2751681, MONDO:0013083, OMIM 613014.

Submission:

Labcorp Genetics (formerly Invitae), Labcorp
Classification: Uncertain significance for Neuroblastoma, susceptibility to, 3. Last evaluated: 2022-02-07. Review status: criteria provided, single submitter. Criteria: Invitae Variant Classification Sherloc (09022015). Collection method: clinical testing. Allele origin: germline.
Comment: This sequence change creates a premature translational stop signal (p.Thr1085Serfs*16) in the ALK gene. It is expected to result in an absent or disrupted protein product. However, the current clinical and genetic evidence is not sufficient to establish whether loss-of-function variants in ALK cause disease. This variant is not present in population databases (gnomAD no frequency). This variant has not been reported in the literature in individuals affected with ALK-related conditions. In summary, the available evidence is currently insufficient to determine the role of this variant in disease. Therefore, it has been classified as a Variant of Uncertain Significance.

NM_004304.5(ALK):c.3193_3251dup (p.Arg1084_Thr1085insSerCysLysProCysArgTrpSerCysArgAlaLeuSerThrSerTer)

Gene: ALK (ALK receptor tyrosine kinase; minus strand). Cytogenetic location: 2p23.2.
Variant type: Duplication.
Coding change: c.3193_3251dup on transcript NM_004304.5 (MANE Select); coding-DNA positions 3193 to 3251, 59 bases duplicated.
Protein change: p.Arg1084_Thr1085insSerCysLysProCysArgTrpSerCysArgAlaLeuSerThrSerTer.
Molecular consequence: nonsense, inframe insertion. On other transcripts: initiator codon variant (1).
Genome position (GRCh38, 1-based): chr2:29,223,450-29,223,508, 59 bases duplicated. GRCh37 (hg19): chr2:29,446,317-29,446,375.
Other names: c.-12_47dup, p.Arg16_Thr17insSerCysLysProCysArgTrpSerCysArgAlaLeuSerThrSerTer (NM_001353765.2).
Identifiers: ClinVar variation 1406770 (VCV001406770.6), dbSNP rs2148170992, ClinGen allele CA2573134553.